The following is an entry in ClinVar:

ClinVar aggregate classification (germline): Conflicting classifications of pathogenicity. Review status: criteria provided, conflicting classifications (1 of 4 stars). 6 submissions from 6 submitters: Uncertain significance (5); Likely benign (1). Last evaluated 2025-12-21.

Conditions:
Hereditary breast ovarian cancer syndrome. Also called: Hereditary breast and ovarian cancer syndrome; Hereditary breast and ovarian cancer; Hereditary breast and ovarian cancer syndrome (HBOC); Breast and ovarian cancer; Hereditary breast and/or ovarian cancer syndrome; BRCA1- and BRCA2-Associated Hereditary Breast and Ovarian Cancer. Identifiers: Orphanet 145, MedGen C0677776, MeSH D061325, MONDO:0003582. Disease mechanism: loss of function.
BRCA2-related cancer predisposition. Identifiers: MedGen CN377758, MONDO:0700269.
Hereditary cancer-predisposing syndrome. Also called: Neoplastic Syndromes, Hereditary; Tumor predisposition; Hereditary Cancer Syndrome; Hereditary neoplastic syndrome. Identifiers: Orphanet 140162, MedGen C0027672, MeSH D009386, MONDO:0015356.

Allele frequency attached by ClinVar (database versions not stated): gnomAD exomes below 0.00001; ExAC 0.00001.
gnomAD v4.1: 2 of 1,609,034 alleles (0.00012%); highest among the groups gnomAD compares: South Asian, 0.0022%; no homozygotes.

Submissions (6):

Women's Health and Genetics/Laboratory Corporation of America, LabCorp
Classification: Uncertain significance. Last evaluated: 2025-12-21. Review status: criteria provided, single submitter. Criteria: LabCorp Variant Classification Summary - May 2015. Collection method: clinical testing. Allele origin: germline.

Labcorp Genetics (formerly Invitae), Labcorp
Classification: Uncertain significance for Hereditary breast ovarian cancer syndrome. Last evaluated: 2025-10-13. Review status: criteria provided, single submitter. Criteria: Invitae Variant Classification Sherloc (09022015). Collection method: clinical testing. Allele origin: germline.
Comment: This sequence change replaces asparagine, which is neutral and polar, with serine, which is neutral and polar, at codon 2208 of the BRCA2 protein (p.Asn2208Ser). This variant is present in population databases (rs767110818, gnomAD 0.003%). This variant has not been reported in the literature in individuals affected with BRCA2-related conditions. ClinVar contains an entry for this variant (Variation ID: 483100). Invitae Evidence Modeling of protein sequence and biophysical properties (such as structural, functional, and spatial information, amino acid conservation, physicochemical variation, residue mobility, and thermodynamic stability) indicates that this missense variant is not expected to disrupt BRCA2 protein function with a negative predictive value of 95%. In summary, the available evidence is currently insufficient to determine the role of this variant in disease. Therefore, it has been classified as a Variant of Uncertain Significance.

Ambry Genetics
Classification: Uncertain significance for Hereditary cancer-predisposing syndrome. Last evaluated: 2025-05-02. Review status: criteria provided, single submitter. Criteria: Ambry Variant Classification Scheme 2023. Collection method: clinical testing. Allele origin: germline.
Comment: The p.N2208S variant (also known as c.6623A>G), located in coding exon 10 of the BRCA2 gene, results from an A to G substitution at nucleotide position 6623. The asparagine at codon 2208 is replaced by serine, an amino acid with highly similar properties. This amino acid position is not well conserved in available vertebrate species. In addition, this alteration is predicted to be tolerated by in silico analysis. Since supporting evidence is limited at this time, the clinical significance of this alteration remains unclear.

All of Us Research Program, National Institutes of Health
Classification: Uncertain significance for BRCA2-related cancer predisposition. Last evaluated: 2024-09-23. Review status: criteria provided, single submitter. Criteria: ACMG Guidelines, 2015. Collection method: clinical testing. Allele origin: germline. Inheritance: Autosomal dominant inheritance. Observed: 1 variant allele, 1 heterozygote.
Comment: This study involves interpretation of variants in research participants for the purpose of population health screening. Participant phenotype was not available at the time of variant classification. Additional details can be found in publication PMID: 35346344, PMCID: PMC8962531

Color Diagnostics, LLC DBA Color Health
Classification: Uncertain significance for Hereditary cancer-predisposing syndrome. Last evaluated: 2023-12-05. Review status: criteria provided, single submitter. Criteria: ACMG Guidelines, 2015. Collection method: clinical testing. Allele origin: germline.
Comment: This missense variant replaces asparagine with serine at codon 2208 of the BRCA2 protein. Computational prediction suggests that this variant may not impact protein structure and function (internally defined REVEL score threshold <= 0.5, PMID: 27666373). To our knowledge, functional studies have not been reported for this variant. This variant has not been reported in individuals affected with BRCA2-related disorders in the literature. This variant has been identified in 1/245098 chromosomes in the general population by the Genome Aggregation Database (gnomAD). The available evidence is insufficient to determine the role of this variant in disease conclusively. Therefore, this variant is classified as a Variant of Uncertain Significance.

University of Washington Department of Laboratory Medicine, University of Washington
Classification: Likely benign for Hereditary cancer-predisposing syndrome. Last evaluated: 2023-03-23. Review status: criteria provided, single submitter. Criteria: Dines et al. (Genet Med. 2020). Collection method: curation. Allele origin: germline.
Comment: Missense variant in a coldspot region where missense variants are very unlikely to be pathogenic (PMID:31911673).

BRCA2 exon 11 coldspot. Reclassification based on statistical prior probability.

NM_000059.4(BRCA2):c.6623A>G (p.Asn2208Ser)

Gene: BRCA2 (BRCA2 DNA repair associated; plus strand). Cytogenetic location: 13q13.1.
Variant type: single nucleotide variant.
Coding change: c.6623A>G on transcript NM_000059.4 (MANE Select); coding-DNA position 6623, A replaced by G.
Protein change: p.Asn2208Ser; replaces asparagine 2208 with serine.
Molecular consequence: missense variant.
Genome position (GRCh38, 1-based): chr13:32,340,978, A>G. VCF-style: chr13-32340978-A-G. GRCh37 (hg19) VCF-style: chr13-32915115-A-G.
Other names: short protein forms N2208S.
Identifiers: ClinVar variation 483100 (VCV000483100.24), dbSNP rs767110818, ClinGen allele CA6940971.